The following is an entry in ClinVar:

ClinVar aggregate classification (germline): Benign (1 of 4 stars; one submission).

Allele frequency attached by ClinVar (database versions not stated): gnomAD 0.01541 and 0.01644; 1000 Genomes Project 0.01757; 1000 Genomes Project 30x 0.01811; TOPMed 0.01859.
gnomAD v4.1: 2,325 of 152,218 alleles (1.5%); highest among the groups gnomAD compares: African/African-American, 5.1%; 55 homozygotes.

Submission:

GeneDx
Classification: Benign. Last evaluated: 2018-06-16. Review status: criteria provided, single submitter. Criteria: GeneDx Variant Classification (06012015). Collection method: clinical testing. Allele origin: germline. Affected: yes.
Comment: This variant is considered likely benign or benign based on one or more of the following criteria: it is a conservative change, it occurs at a poorly conserved position in the protein, it is predicted to be benign by multiple in silico algorithms, and/or has population frequency not consistent with disease.

NM_000182.5(HADHA):c.2000+290G>A

Genes: GAREM2 (GRB2 associated regulator of MAPK1 subtype 2; plus strand), HADHA (hydroxyacyl-CoA dehydrogenase trifunctional multienzyme complex subunit alpha; minus strand). Cytogenetic location: 2p23.3.
Variant type: single nucleotide variant.
Coding change: c.2000+290G>A on transcript NM_000182.5 (MANE Select); 290 bases into the intron after coding-DNA position 2000, G replaced by A.
Molecular consequence: intron variant.
Genome position (GRCh38, 1-based): chr2:26,192,020, C>T on the plus strand (G>A on the coding strand, the complement: HADHA is on the minus strand). VCF-style: chr2-26192020-C-T. GRCh37 (hg19) VCF-style: chr2-26414889-C-T.
Identifiers: ClinVar variation 668557 (VCV000668557.1), dbSNP rs78674973, ClinGen allele CA44377207.